The following is an entry in ClinVar:

NM_005502.4(ABCA1):c.893C>A (p.Thr298Asn)

Gene: ABCA1 (ATP binding cassette subfamily A member 1; minus strand). Cytogenetic location: 9q31.1.
Variant type: single nucleotide variant.
Coding change: c.893C>A on transcript NM_005502.4 (MANE Select); coding-DNA position 893, C replaced by A.
Protein change: p.Thr298Asn; replaces threonine 298 with asparagine.
Molecular consequence: missense variant.
Genome position (GRCh38, 1-based): chr9:104,840,440, G>T on the plus strand (C>A on the coding strand, the complement: ABCA1 is on the minus strand). VCF-style: chr9-104840440-G-T. GRCh37 (hg19) VCF-style: chr9-107602721-G-T.
Other names: short protein forms T298N.
Identifiers: ClinVar variation 4232163 (VCV004232163.1).

ClinVar aggregate classification (germline): Uncertain significance (1 of 4 stars; one submission).

Conditions:
Cardiovascular phenotype. Identifiers: MedGen CN230736.

gnomAD v4.1: 1 of 1,614,180 alleles (0.000062%); highest among the groups gnomAD compares: African/African-American, 0.0013%; no homozygotes.

Submission:

Ambry Genetics
Classification: Uncertain significance for Cardiovascular phenotype. Last evaluated: 2025-07-09. Review status: criteria provided, single submitter. Criteria: Ambry Variant Classification Scheme 2023. Collection method: clinical testing. Allele origin: germline.
Comment: The p.T298N variant (also known as c.893C>A), located in coding exon 8 of the ABCA1 gene, results from a C to A substitution at nucleotide position 893. The threonine at codon 298 is replaced by asparagine, an amino acid with similar properties. This amino acid position is conserved. In addition, this alteration is predicted to be tolerated by in silico analysis. Based on the available evidence, the clinical significance of this variant remains unclear.